The following is an entry in ClinVar:

NM_001113378.2(FANCI):c.3179T>C (p.Ile1060Thr)

Gene: FANCI (FA complementation group I; plus strand). Cytogenetic location: 15q26.1.
Variant type: single nucleotide variant.
Coding change: c.3179T>C on transcript NM_001113378.2 (MANE Select); coding-DNA position 3179, T replaced by C.
Protein change: p.Ile1060Thr; replaces isoleucine 1060 with threonine.
Molecular consequence: missense variant.
Genome position (GRCh38, 1-based): chr15:89,305,235, T>C. VCF-style: chr15-89305235-T-C. GRCh37 (hg19) VCF-style: chr15-89848466-T-C.
Other names: c.2900T>C, p.Ile967Thr (NM_001376910.1); c.3179T>C, p.Ile1060Thr (NM_001376911.1); c.2999T>C, p.Ile1000Thr (NM_018193.3); short protein forms I1000T, I1060T, I967T.
Identifiers: ClinVar variation 1062139 (VCV001062139.5), dbSNP rs201376236, ClinGen allele CA7723609.
Genomic context (GRCh38, chr15:89,305,235, plus strand): 5'-AGAGTCCTGTCATTCTGCTGCGTGACTTGTCCCAGGATATCCACGGGCATCTGGGAGATA[T>C]AGACCAGGTACTATAATGAGCCTTCAGTACAATACCCTGTGTGGGGATGGGGGTCAAGGG-3'
Protein context (NP_001106849.1, residues 1050-1070): SQDIHGHLGD[Ile1060Thr]DQDVEVEKTN

ClinVar aggregate classification (germline): Uncertain significance (1 of 4 stars; one submission).

Conditions:
Fanconi anemia (FA). Also called: Fanconi's anemia. Identifiers: Orphanet 84, MedGen C0015625, MeSH D005199, MONDO:0019391.

Allele frequency attached by ClinVar (database versions not stated): 1000 Genomes Project 0.00020; 1000 Genomes Project 30x 0.00031.
gnomAD v4.1: 30 of 1,614,242 alleles (0.0019%); highest among the groups gnomAD compares: African/African-American, 0.02%; no homozygotes.

Submission:

Labcorp Genetics (formerly Invitae), Labcorp
Classification: Uncertain significance for Fanconi anemia. Last evaluated: 2025-11-27. Review status: criteria provided, single submitter. Criteria: Invitae Variant Classification Sherloc (09022015). Collection method: clinical testing. Allele origin: germline.
Comment: This sequence change replaces isoleucine, which is neutral and non-polar, with threonine, which is neutral and polar, at codon 1060 of the FANCI protein (p.Ile1060Thr). This variant is present in population databases (rs201376236, gnomAD 0.02%). This missense change has been observed in individual(s) with hereditary breast cancer (PMID: 37277882). ClinVar contains an entry for this variant (Variation ID: 1062139). Invitae Evidence Modeling of protein sequence and biophysical properties (such as structural, functional, and spatial information, amino acid conservation, physicochemical variation, residue mobility, and thermodynamic stability) indicates that this missense variant is expected to disrupt FANCI protein function with a positive predictive value of 80%. In summary, the available evidence is currently insufficient to determine the role of this variant in disease. Therefore, it has been classified as a Variant of Uncertain Significance.

Literature cited by the submitters: PubMed 37277882.